The following is an entry in ClinVar:

NM_000294.3(PHKG2):c.1050C>T (p.Ile350=)

Gene: PHKG2 (phosphorylase kinase catalytic subunit gamma 2; plus strand). Cytogenetic location: 16p11.2.
Variant type: single nucleotide variant.
Coding change: c.1050C>T on transcript NM_000294.3 (MANE Select); coding-DNA position 1050, C replaced by T.
Protein change: p.Ile350=; no amino-acid change (isoleucine 350 retained).
Molecular consequence: synonymous variant.
Genome position (GRCh38, 1-based): chr16:30,756,926, C>T. VCF-style: chr16-30756926-C-T. GRCh37 (hg19) VCF-style: chr16-30768247-C-T.
Other names: c.1050C>T, p.Ile350= (NM_001172432.2).
Identifiers: ClinVar variation 511820 (VCV000511820.29), dbSNP rs371914785, ClinGen allele CA8013395.
Genomic context (GRCh38, chr16:30,756,926, plus strand): 5'-ACTGACCAAGAATGCACTGTTGAGGGACCCTTATGCGCTGCGGTCAGTGCGGCACCTCAT[C>T]GACAACTGTGCCTTCCGGCTCTACGGGCACTGGGTAAAGAAAGGGGAGCAGCAGAACCGG-3'
Protein context (NP_000285.1, residues 340-360): PYALRSVRHL[Ile350=]DNCAFRLYGH

ClinVar aggregate classification (germline): Likely benign. Review status: criteria provided, multiple submitters, no conflicts (2 of 4 stars). 4 submissions from 4 submitters: Likely benign (3). 1 of the submissions does not count toward it. Last evaluated 2026-01-26.

Conditions:
Glycogen storage disease IXc (GSD9C). Also called: GSD IXc. Identifiers: Orphanet 264580, MedGen C2751643, MONDO:0013091, OMIM 613027.
PHKG2-related disorder. Also called: PHKG2-related condition.

Allele frequency attached by ClinVar (database versions not stated): TOPMed 0.00022; ESP Exome Variant Server 0.00046.
gnomAD v4.1: 335 of 1,613,786 alleles (0.021%); highest among the groups gnomAD compares: Non-Finnish European, 0.025%; 1 homozygote.

Submissions (4):

Labcorp Genetics (formerly Invitae), Labcorp
Classification: Likely benign for Glycogen storage disease IXc. Last evaluated: 2026-01-26. Review status: criteria provided, single submitter. Criteria: Invitae Variant Classification Sherloc (09022015). Collection method: clinical testing. Allele origin: germline.

CeGaT Center for Human Genetics Tuebingen
Classification: Likely benign. Last evaluated: 2025-06-01. Review status: criteria provided, single submitter. Criteria: CeGaT Center For Human Genetics Tuebingen Variant Classification Criteria Version 2. Collection method: clinical testing. Allele origin: germline. Affected: yes. Observed: 2 variant alleles.
Comment: PHKG2: BP4, BP7

GeneDx
Classification: Likely benign. Last evaluated: 2017-09-21. Review status: criteria provided, single submitter. Criteria: GeneDx Variant Classification (06012015). Collection method: clinical testing. Allele origin: germline. Affected: yes.
Comment: This variant is considered likely benign or benign based on one or more of the following criteria: it is a conservative change, it occurs at a poorly conserved position in the protein, it is predicted to be benign by multiple in silico algorithms, and/or has population frequency not consistent with disease.

PreventionGenetics, part of Exact Sciences
Classification: Likely benign for PHKG2-related condition. Last evaluated: 2022-04-28. Review status: no assertion criteria provided. Collection method: clinical testing. Allele origin: germline. Not counted in ClinVar's aggregate classification.
Comment: This variant is classified as likely benign based on ACMG/AMP sequence variant interpretation guidelines (Richards et al. 2015 PMID: 25741868, with internal and published modifications).